The following is an entry in ClinVar:

ClinVar aggregate classification (germline): Pathogenic (1 of 4 stars; one submission).

Submission:

GeneDx
Classification: Pathogenic. Last evaluated: 2016-08-22. Review status: criteria provided, single submitter. Criteria: GeneDx Variant Classification (06012015). Collection method: clinical testing. Allele origin: germline. Affected: yes.
Comment: The c.2695delG pathogenic variant in the SHANK3 gene has not been reported previously as a pathogenic variant nor as a benign variant, to our knowledge. This variant causes a frameshift starting with codon Alanine 899, changes this amino acid to an Arginine residue, and creates a premature Stop codon at position 57 of the new reading frame, denoted p.Ala899ArgfsX57. This variant is predicted to cause loss of normal protein function either through protein truncation or nonsense-mediated mRNA decay. Although sufficient data from control individuals in the NHLBI Exome Sequencing Project and Exome Aggregation Consortium data sets were not available to assess whether the c.2695delG variant may be a common benign variant in the general population. We interpret c.2695delG as a pathogenic variant.

NM_001372044.2(SHANK3):c.2920del (p.Ala974fs)

Gene: SHANK3 (SH3 and multiple ankyrin repeat domains 3; plus strand). Cytogenetic location: 22q13.33.
Variant type: Deletion.
Coding change: c.2920del on transcript NM_001372044.2 (MANE Select); coding-DNA position 2920, one base deleted (G; older notation c.2920delG).
Protein change: p.Ala974fs; shifts the reading frame from alanine 974.
Molecular consequence: frameshift variant.
Genome position (GRCh38, 1-based): chr22:50,720,528, G deleted; the last of 2 consecutive G bases (chr22:50,720,527-50,720,528); deleting either gives the same sequence. VCF-style (leftmost placement, unchanged base first): chr22-50720526-CG-C. GRCh37 (hg19) VCF-style: chr22-51158954-CG-C.
Other names: c.2695delG, p.Ala899Argfs (NM_033517.1); short protein forms A974fs.
Identifiers: ClinVar variation 265676 (VCV000265676.2), dbSNP rs1555910013, ClinGen allele CA10588728.
Genomic context (GRCh38, chr22:50,720,526, plus strand): 5'-GCCCGCTGCCGTATCCCGAGCGGCAGAAGCGCGCGCGCTCCATGATCATCCTGCAGGACT[CG>C]GCGCCCGAGTCGGGCGACGCCCCTCGACCCCCGCCCGCGGCCACCCCGCCCGAGCGACCC-3'